The following is an entry in ClinVar:

ClinVar aggregate classification (germline): Pathogenic (1 of 4 stars; one submission).

Conditions:
Marfan syndrome (MFS). Also called: MARFAN SYNDROME, TYPE I; Marfan syndrome type 1; Marfan's syndrome; Marfan syndrome, classic; FBN1-Related Marfan Syndrome. Identifiers: Orphanet 284963, Orphanet 558, MedGen C0024796, MONDO:0007947, OMIM 154700.
Familial thoracic aortic aneurysm and aortic dissection (TAAD). Also called: Thoracic aortic aneurysms and dissections. Identifiers: Orphanet 91387, MedGen C4707243, MONDO:0019625.

Submission:

Labcorp Genetics (formerly Invitae), Labcorp
Classification: Pathogenic for Marfan syndrome; Familial thoracic aortic aneurysm and aortic dissection. Last evaluated: 2023-11-15. Review status: criteria provided, single submitter. Criteria: Invitae Variant Classification Sherloc (09022015). Collection method: clinical testing. Allele origin: germline.
Comment: This sequence change creates a premature translational stop signal (p.Glu1976Asnfs*4) in the FBN1 gene. It is expected to result in an absent or disrupted protein product. Loss-of-function variants in FBN1 are known to be pathogenic (PMID: 17657824, 19293843). This variant is not present in population databases (gnomAD no frequency). This variant has not been reported in the literature in individuals affected with FBN1-related conditions. For these reasons, this variant has been classified as Pathogenic.

Literature cited by the submitters: PubMed 17657824; PubMed 19293843.

NM_000138.5(FBN1):c.5926del (p.Glu1976fs)

Gene: FBN1 (fibrillin 1; minus strand). Cytogenetic location: 15q21.1.
Variant type: Deletion.
Coding change: c.5926del on transcript NM_000138.5 (MANE Select); coding-DNA position 5926, one base deleted (G; older notation c.5926delG).
Protein change: p.Glu1976fs; shifts the reading frame from glutamic acid 1976.
Molecular consequence: frameshift variant.
Genome position (GRCh38, 1-based): chr15:48,444,652, C deleted on the plus strand (G on the coding strand, the reverse complement: FBN1 is on the minus strand). VCF-style (leftmost placement, unchanged base first): chr15-48444651-TC-T. GRCh37 (hg19) VCF-style: chr15-48736848-TC-T.
Other names: c.5926del, p.Glu1976fs (NM_001406716.1); short protein forms E1976fs.
Identifiers: ClinVar variation 2953905 (VCV002953905.3), dbSNP rs2505452301, ClinGen allele CA2740096635.